The following is an entry in ClinVar:

ClinVar aggregate classification (germline): Uncertain significance (1 of 4 stars; one submission).

Conditions:
Inborn genetic diseases. Identifiers: MedGen C0950123, MeSH D030342.

Submission:

Ambry Genetics
Classification: Uncertain significance for Inborn genetic diseases. Last evaluated: 2022-12-17. Review status: criteria provided, single submitter. Criteria: Ambry Variant Classification Scheme 2023. Collection method: clinical testing. Allele origin: germline.
Comment: The p.I956M variant (also known as c.2868C>G), located in coding exon 20 of the LTBP3 gene, results from a C to G substitution at nucleotide position 2868. The isoleucine at codon 956 is replaced by methionine, an amino acid with highly similar properties. This amino acid position is conserved. In addition, the in silico prediction for this alteration is inconclusive. Since supporting evidence is limited at this time, the clinical significance of this alteration remains unclear.

NM_001130144.3(LTBP3):c.2868C>G (p.Ile956Met)

Genes: LTBP3 (latent transforming growth factor beta binding protein 3; minus strand), LOC130006028 (ATAC-STARR-seq lymphoblastoid active region 4987; plus strand). Cytogenetic location: 11q13.1.
Variant type: single nucleotide variant.
Coding change: c.2868C>G on transcript NM_001130144.3 (MANE Select); coding-DNA position 2868, C replaced by G.
Protein change: p.Ile956Met; replaces isoleucine 956 with methionine.
Molecular consequence: missense variant.
Genome position (GRCh38, 1-based): chr11:65,541,151, G>C on the plus strand (C>G on the coding strand, the complement: LTBP3 is on the minus strand). VCF-style: chr11-65541151-G-C. GRCh37 (hg19) VCF-style: chr11-65308622-G-C.
Other names: c.2517C>G, p.Ile839Met (NM_001164266.1); c.2868C>G, p.Ile956Met (NM_021070.4); short protein forms I839M, I956M.
Identifiers: ClinVar variation 2447586 (VCV002447586.2), dbSNP rs763699731, ClinGen allele CA381268213.